The following is an entry in ClinVar:

ClinVar aggregate classification (germline): Likely pathogenic (1 of 4 stars; one submission).

Conditions:
Neurodevelopmental disorder with or without hyperkinetic movements and seizures, autosomal dominant. Also called: Intellectual disability, autosomal dominant 8. Identifiers: MedGen C3280282, MONDO:0013655, OMIM 614254.

Submission:

Rare Disease Center, Seoul National University Hospital
Classification: Likely pathogenic for Neurodevelopmental disorder with or without hyperkinetic movements and seizures, autosomal dominant. Last evaluated: 2025-03-23. Review status: criteria provided, single submitter. Criteria: ACMG Guidelines, 2015. Collection method: provider interpretation. Allele origin: de novo. Affected: yes. Observed: 1 variant allele.
Comment: In addition, this variant is not present in population databases (gnomAD). Note: This variant was found in clinical genetic testing performed by one or more labs who may also submit to ClinVar. Therefore, any internal case data may overlap with the internal case data of other submitters. The classification and rationale are that of the Rare Disease Center, Seoul National University Hospital

NM_007327.4(GRIN1):c.1558AAC[1] (p.Asn521del)

Gene: GRIN1 (glutamate ionotropic receptor NMDA type subunit 1; plus strand). Cytogenetic location: 9q34.3.
Variant type: Microsatellite.
Coding change: c.1558AAC[1] on transcript NM_007327.4 (MANE Select); one copy of the 3-base unit AAC starting at c.1558; the reference has two copies in a row; one copy, 3 bases deleted; also written c.1561_1563del.
Protein change: p.Asn521del; deletes asparagine 521.
Molecular consequence: inframe deletion.
Genome position (GRCh38, 1-based): chr9:137,162,017-137,162,019, AAC deleted; deleting any 3 consecutive bases within chr9:137,162,014-137,162,019 gives the same sequence; the position shown is the placement nearest the transcript's 3' end. VCF-style (leftmost placement, unchanged base first): chr9-137162013-AAAC-A. GRCh37 (hg19) VCF-style: chr9-140056465-AAAC-A.
Other names: c.1558AAC[1], p.Asn521del (NM_000832.7, NM_021569.4); c.1621AAC[1], p.Asn542del (NM_001185090.2, NM_001185091.2); c.1561_1563del (NM_007327.4); short protein forms N521del, N542del.
Identifiers: ClinVar variation 3901884 (VCV003901884.1).